The following is an entry in ClinVar:

NM_000218.3(KCNQ1):c.865A>G (p.Asn289Asp)

Gene: KCNQ1 (potassium voltage-gated channel subfamily Q member 1; plus strand). Cytogenetic location: 11p15.5.
Variant type: single nucleotide variant.
Coding change: c.865A>G on transcript NM_000218.3 (MANE Select); coding-DNA position 865, A replaced by G.
Protein change: p.Asn289Asp; replaces asparagine 289 with aspartic acid.
Molecular consequence: missense variant. On other transcripts: intron variant (1).
Genome position (GRCh38, 1-based): chr11:2,572,930, A>G. VCF-style: chr11-2572930-A-G. GRCh37 (hg19) VCF-style: chr11-2594160-A-G.
Other names: c.865A>G, p.Asn289Asp (NM_001406836.1); c.595A>G, p.Asn199Asp (NM_001406837.1); c.484A>G, p.Asn162Asp (NM_181798.2); c.478-10505A>G (NM_001406838.1); short protein forms N199D, N162D, N289D.
Identifiers: ClinVar variation 2754525 (VCV002754525.3), dbSNP rs2493674122, ClinGen allele CA379131561.

ClinVar aggregate classification (germline): Uncertain significance (1 of 4 stars; one submission).

Conditions:
Long QT syndrome (LQTS). Identifiers: MedGen C0023976, MeSH D008133, MONDO:0002442. Disease mechanism: loss of function. Inheritance: Various modes of inheritance.

Submission:

Labcorp Genetics (formerly Invitae), Labcorp
Classification: Uncertain significance for Long QT syndrome. Last evaluated: 2023-08-23. Review status: criteria provided, single submitter. Criteria: Invitae Variant Classification Sherloc (09022015). Collection method: clinical testing. Allele origin: germline.
Comment: In summary, the available evidence is currently insufficient to determine the role of this variant in disease. Therefore, it has been classified as a Variant of Uncertain Significance. Advanced modeling of protein sequence and biophysical properties (such as structural, functional, and spatial information, amino acid conservation, physicochemical variation, residue mobility, and thermodynamic stability) performed at Invitae indicates that this missense variant is not expected to disrupt KCNQ1 protein function. This variant has not been reported in the literature in individuals affected with KCNQ1-related conditions. This variant is not present in population databases (gnomAD no frequency). This sequence change replaces asparagine, which is neutral and polar, with aspartic acid, which is acidic and polar, at codon 289 of the KCNQ1 protein (p.Asn289Asp).